The following is an entry in ClinVar:

ClinVar aggregate classification (germline): Uncertain significance (1 of 4 stars; one submission).

Submission:

Labcorp Genetics (formerly Invitae), Labcorp
Classification: Uncertain significance. Last evaluated: 2023-10-10. Review status: criteria provided, single submitter. Criteria: Invitae Variant Classification Sherloc (09022015). Collection method: clinical testing. Allele origin: germline.
Comment: This sequence change replaces cysteine, which is neutral and slightly polar, with phenylalanine, which is neutral and non-polar, at codon 258 of the FN1 protein (p.Cys258Phe). This variant is not present in population databases (gnomAD no frequency). This variant has not been reported in the literature in individuals affected with FN1-related conditions. Advanced modeling of protein sequence and biophysical properties (such as structural, functional, and spatial information, amino acid conservation, physicochemical variation, residue mobility, and thermodynamic stability) performed at Invitae indicates that this missense variant is expected to disrupt FN1 protein function. In summary, the available evidence is currently insufficient to determine the role of this variant in disease. Therefore, it has been classified as a Variant of Uncertain Significance.

NM_212482.4(FN1):c.773G>T (p.Cys258Phe)

Gene: FN1 (fibronectin 1; minus strand). Cytogenetic location: 2q35.
Variant type: single nucleotide variant.
Coding change: c.773G>T on transcript NM_212482.4 (MANE Select); coding-DNA position 773, G replaced by T.
Protein change: p.Cys258Phe; replaces cysteine 258 with phenylalanine.
Molecular consequence: missense variant.
Genome position (GRCh38, 1-based): chr2:215,428,251, C>A on the plus strand (G>T on the coding strand, the complement: FN1 is on the minus strand). VCF-style: chr2-215428251-C-A. GRCh37 (hg19) VCF-style: chr2-216292974-C-A.
Other names: c.773G>T, p.Cys258Phe (NM_001306129.2, NM_001306130.2, NM_001306131.2 and 14 more transcripts); short protein forms C258F.
Identifiers: ClinVar variation 2767485 (VCV002767485.3), dbSNP rs1553658948, ClinGen allele CA350473834.